The following is an entry in ClinVar:

ClinVar aggregate classification (germline): Uncertain significance (1 of 4 stars; one submission).

gnomAD v4.1: 12 of 1,542,930 alleles (0.00078%); highest among the groups gnomAD compares: Admixed American, 0.0059%; no homozygotes.

Submission:

GeneDx
Classification: Uncertain significance. Last evaluated: 2020-01-17. Review status: criteria provided, single submitter. Criteria: GeneDx Variant Classification Process June 2021. Collection method: clinical testing. Allele origin: germline. Affected: yes.
Comment: In silico analysis, which includes protein predictors and evolutionary conservation, supports that this variant does not alter protein structure/function; Has not been previously published as pathogenic or benign to our knowledge

NM_001367624.2(ZNF469):c.10481G>A (p.Arg3494Gln)

Gene: ZNF469 (zinc finger protein 469; plus strand). Cytogenetic location: 16q24.2.
Variant type: single nucleotide variant.
Coding change: c.10481G>A on transcript NM_001367624.2 (MANE Select); coding-DNA position 10481, G replaced by A.
Protein change: p.Arg3494Gln; replaces arginine 3494 with glutamine.
Molecular consequence: missense variant.
Genome position (GRCh38, 1-based): chr16:88,437,951, G>A. VCF-style: chr16-88437951-G-A. GRCh37 (hg19) VCF-style: chr16-88504359-G-A.
Other names: NM_001127464.1:c.10397G>A; short protein forms R3494Q.
Identifiers: ClinVar variation 1311810 (VCV001311810.2), dbSNP rs935936614, ClinGen allele CA286386805.
Genomic context (GRCh38, chr16:88,437,951, plus strand): 5'-GGCGCAGGGTGGCCATGCCCGGCAGTGCCCCTGGGCCCGGCGAGGACAGGCCTCCTCCCC[G>A]GGGAAGCAGCCCCATCCTGAGTGAGGGCTCTCTCCCGGCCCTGCTCCACCTGTGTTCGGA-3'
Protein context (NP_001354553.1, residues 3484-3504): PGPGEDRPPP[Arg3494Gln]GSSPILSEGS